The following is an entry in ClinVar:

ClinVar aggregate classification (germline): Benign (3 of 4 stars; one submission).

Conditions:
Breast-ovarian cancer, familial, susceptibility to, 2 (BROVCA2). Also called: BRCA2 Hereditary Breast and Ovarian Cancer. Identifiers: Orphanet 145, MedGen C2675520, MONDO:0012933, OMIM 612555. Disease mechanism: loss of function.

Allele frequency attached by ClinVar (database versions not stated): TOPMed 0.06145; 1000 Genomes Project 0.10124; 1000 Genomes Project 30x 0.10431.
gnomAD v4.1: 8,009 of 151,956 alleles (5.3%); highest among the groups gnomAD compares: Admixed American, 18%; 444 homozygotes.

Submission:

Evidence-based Network for the Interpretation of Germline Mutant Alleles (ENIGMA)
Classification: Benign for Breast-ovarian cancer, familial 2. Last evaluated: 2015-01-12. Review status: reviewed by expert panel. Criteria: ENIGMA BRCA1/2 Classification Criteria (2015). Collection method: curation. Allele origin: germline.
Comment: Class 1 not pathogenic based on frequency >1% in an outbred sampleset. Frequency 0.1731 (Asian), 0.02033 (African), 0.03826 (European), derived from 1000 genomes (2012-04-30).

NM_000059.4(BRCA2):c.8332-2102T>G

Gene: BRCA2 (BRCA2 DNA repair associated; plus strand). Cytogenetic location: 13q13.1.
Variant type: single nucleotide variant.
Coding change: c.8332-2102T>G on transcript NM_000059.4 (MANE Select); 2102 bases into the intron before coding-DNA position 8332, T replaced by G.
Molecular consequence: intron variant.
Genome position (GRCh38, 1-based): chr13:32,368,300, T>G. VCF-style: chr13-32368300-T-G. GRCh37 (hg19) VCF-style: chr13-32942437-T-G.
Other names: IVS 18-2102T>G.
Identifiers: ClinVar variation 209801 (VCV000209801.1), dbSNP rs76370881, ClinGen allele CA276769.
Genomic context (GRCh38, chr13:32,368,300, plus strand): 5'-TTGAACTCCTGACCTCGTGATCTGCCCGCCTTGGCCTCCCAAAGTGCTGGGATTACAGGC[T>G]TGAGCCTGTAAATCCAGAAAAGGATTACAGCCCTTTTCTTCTAGTTCTTAAAGTGAATTT-3'